The following is an entry in ClinVar:

NM_001242896.3(DEPDC5):c.2542G>T (p.Glu848Ter)

Gene: DEPDC5 (DEP domain containing 5, GATOR1 subcomplex subunit; plus strand). Cytogenetic location: 22q12.3.
Variant type: single nucleotide variant.
Coding change: c.2542G>T on transcript NM_001242896.3 (MANE Select); coding-DNA position 2542, G replaced by T.
Protein change: p.Glu848Ter; replaces glutamic acid 848 with a stop codon.
Molecular consequence: nonsense. On other transcripts: non-coding transcript variant (5).
Genome position (GRCh38, 1-based): chr22:31,843,121, G>T. VCF-style: chr22-31843121-G-T. GRCh37 (hg19) VCF-style: chr22-32239107-G-T.
Other names: c.2515G>T, p.Glu839Ter (NM_001136029.4, NM_001369903.1, NM_014662.6); c.2308G>T, p.Glu770Ter (NM_001242897.2, NM_001363854.2, NM_001364319.2); c.2542G>T, p.Glu848Ter (NM_001363852.2, NM_001364318.2, NM_001364320.2); c.2458G>T, p.Glu820Ter (NM_001369901.1, NM_001369902.1); short protein forms E820*, E770*, E839*, E848*.
Identifiers: ClinVar variation 4526196 (VCV004526196.1).

ClinVar aggregate classification (germline): Pathogenic (1 of 4 stars; one submission).

Conditions:
Epilepsy, familial focal, with variable foci 1 (FFEVF1). Also called: DEPDC5-Related Epilepsy. Identifiers: MedGen C4551983, MONDO:0024556, OMIM 604364.

Submission:

Women's Health and Genetics/Laboratory Corporation of America, LabCorp
Classification: Pathogenic for Epilepsy, familial focal, with variable foci 1. Last evaluated: 2025-07-25. Review status: criteria provided, single submitter. Criteria: LabCorp Variant Classification Summary - May 2015. Collection method: clinical testing. Allele origin: germline.
Comment: Variant summary: DEPDC5 c.2542G>T (p.Glu848X) results in a premature termination codon, predicted to cause a truncation of the encoded protein or absence of the protein due to nonsense mediated decay, which are commonly known mechanisms for disease. The variant was absent in 249152 control chromosomes. To our knowledge, no occurrence of c.2542G>T in individuals affected with Epilepsy, Familial Focal, With Variable Foci 1 and no experimental evidence demonstrating its impact on protein function have been reported. No submitters have cited clinical-significance assessments for this variant to ClinVar. Based on the evidence outlined above, the variant was classified as pathogenic.